The following is an entry in ClinVar:

ClinVar aggregate classification (germline): Uncertain significance (1 of 4 stars; one submission).

Conditions:
Dilated cardiomyopathy 1KK (CMD1KK). Identifiers: Orphanet 154, Orphanet 75249, MedGen C3714995, MONDO:0014100, OMIM 615248.

Submission:

Labcorp Genetics (formerly Invitae), Labcorp
Classification: Uncertain significance for Dilated cardiomyopathy 1KK. Last evaluated: 2023-07-03. Review status: criteria provided, single submitter. Criteria: Invitae Variant Classification Sherloc (09022015). Collection method: clinical testing. Allele origin: germline.
Comment: This sequence change replaces glycine, which is neutral and non-polar, with alanine, which is neutral and non-polar, at codon 959 of the MYPN protein (p.Gly959Ala). This variant is not present in population databases (gnomAD no frequency). This variant has not been reported in the literature in individuals affected with MYPN-related conditions. ClinVar contains an entry for this variant (Variation ID: 1490906). An algorithm developed to predict the effect of missense changes on protein structure and function (PolyPhen-2) suggests that this variant is likely to be disruptive. In summary, the available evidence is currently insufficient to determine the role of this variant in disease. Therefore, it has been classified as a Variant of Uncertain Significance.

NM_032578.4(MYPN):c.2876G>C (p.Gly959Ala)

Gene: MYPN (myopalladin; plus strand). Cytogenetic location: 10q21.3.
Variant type: single nucleotide variant.
Coding change: c.2876G>C on transcript NM_032578.4 (MANE Select); coding-DNA position 2876, G replaced by C.
Protein change: p.Gly959Ala; replaces glycine 959 with alanine.
Molecular consequence: missense variant. On other transcripts: non-coding transcript variant (2).
Genome position (GRCh38, 1-based): chr10:68,189,077, G>C. VCF-style: chr10-68189077-G-C. GRCh37 (hg19) VCF-style: chr10-69948834-G-C.
Other names: c.2876G>C, p.Gly959Ala (NM_001256267.2); c.1994G>C, p.Gly665Ala (NM_001256268.2); short protein forms G665A, G959A.
Identifiers: ClinVar variation 1490906 (VCV001490906.8), dbSNP rs771893315, ClinGen allele CA376853895.